The following is an entry in ClinVar:

NM_006361.6(HOXB13):c.328C>A (p.Pro110Thr)

Gene: HOXB13 (homeobox B13; minus strand). Cytogenetic location: 17q21.32.
Variant type: single nucleotide variant.
Coding change: c.328C>A on transcript NM_006361.6 (MANE Select); coding-DNA position 328, C replaced by A.
Protein change: p.Pro110Thr; replaces proline 110 with threonine.
Molecular consequence: missense variant.
Genome position (GRCh38, 1-based): chr17:48,728,266, G>T on the plus strand (C>A on the coding strand, the complement: HOXB13 is on the minus strand). VCF-style: chr17-48728266-G-T. GRCh37 (hg19) VCF-style: chr17-46805628-G-T.
Other names: short protein forms P110T.
Identifiers: ClinVar variation 1729824 (VCV001729824.5), dbSNP rs370361482, ClinGen allele CA400107686.

ClinVar aggregate classification (germline): Uncertain significance. Review status: criteria provided, multiple submitters, no conflicts (2 of 4 stars). 2 submissions from 2 submitters: Uncertain significance (2). Last evaluated 2023-10-10.

Conditions:
Hereditary cancer-predisposing syndrome. Also called: Neoplastic Syndromes, Hereditary; Tumor predisposition; Hereditary Cancer Syndrome; Hereditary neoplastic syndrome. Identifiers: Orphanet 140162, MedGen C0027672, MeSH D009386, MONDO:0015356.

Submissions (2):

Labcorp Genetics (formerly Invitae), Labcorp
Classification: Uncertain significance. Last evaluated: 2023-10-10. Review status: criteria provided, single submitter. Criteria: Invitae Variant Classification Sherloc (09022015). Collection method: clinical testing. Allele origin: germline.
Comment: This sequence change replaces proline, which is neutral and non-polar, with threonine, which is neutral and polar, at codon 110 of the HOXB13 protein (p.Pro110Thr). This variant is not present in population databases (gnomAD no frequency). This variant has not been reported in the literature in individuals affected with HOXB13-related conditions. ClinVar contains an entry for this variant (Variation ID: 1729824). Advanced modeling of protein sequence and biophysical properties (such as structural, functional, and spatial information, amino acid conservation, physicochemical variation, residue mobility, and thermodynamic stability) performed at Invitae indicates that this missense variant is not expected to disrupt HOXB13 protein function. In summary, the available evidence is currently insufficient to determine the role of this variant in disease. Therefore, it has been classified as a Variant of Uncertain Significance.

Ambry Genetics
Classification: Uncertain significance for Hereditary cancer-predisposing syndrome. Last evaluated: 2022-05-03. Review status: criteria provided, single submitter. Criteria: Ambry Variant Classification Scheme 2023. Collection method: clinical testing. Allele origin: germline.
Comment: The p.P110T variant (also known as c.328C>A), located in coding exon 1 of the HOXB13 gene, results from a C to A substitution at nucleotide position 328. The proline at codon 110 is replaced by threonine, an amino acid with highly similar properties. This amino acid position is conserved. In addition, this alteration is predicted to be tolerated by in silico analysis. Since supporting evidence is limited at this time, the clinical significance of this alteration remains unclear.